The following is an entry in ClinVar:

ClinVar aggregate classification (germline): Likely benign (1 of 4 stars; one submission).

Conditions:
MED1-related condition.

gnomAD v4.1: 3 of 1,576,390 alleles (0.00019%); highest among the groups gnomAD compares: Non-Finnish European, 0.00017%; no homozygotes.

Submission:

PreventionGenetics, part of Exact Sciences
Classification: Likely benign for MED1-related condition. Last evaluated: 2024-11-03. Review status: criteria provided, single submitter. Criteria: ACMG Guidelines, 2015. Collection method: clinical testing. Allele origin: germline.
Comment: This variant is classified as likely benign based on ACMG/AMP sequence variant interpretation guidelines (Richards et al. 2015 PMID: 25741868, with internal and published modifications).

NM_004774.4(MED1):c.739+5G>T

Gene: MED1 (mediator complex subunit 1; minus strand). Cytogenetic location: 17q12.
Variant type: single nucleotide variant.
Coding change: c.739+5G>T on transcript NM_004774.4 (MANE Select); 5 bases into the intron after coding-DNA position 739, G replaced by T.
Molecular consequence: intron variant.
Genome position (GRCh38, 1-based): chr17:39,427,696, C>A on the plus strand (G>T on the coding strand, the complement: MED1 is on the minus strand). VCF-style: chr17-39427696-C-A. GRCh37 (hg19) VCF-style: chr17-37583949-C-A.
Identifiers: ClinVar variation 4988351 (VCV004988351.1).